The following is an entry in ClinVar:

ClinVar aggregate classification (germline): Uncertain significance. Review status: criteria provided, multiple submitters, no conflicts (2 of 4 stars). 2 submissions from 2 submitters: Uncertain significance (2). Last evaluated 2024-03-04.

Conditions:
Neuronal ceroid lipofuscinosis 15. Also called: Neurodegeneration, childhood-onset, hypotonia, respiratory insufficiency and brain imaging abnormalities; Neurodegeneration, childhood-onset, with hypotonia, respiratory insufficiency, and brain imaging abnormalities. Identifiers: Orphanet 610573, MedGen C5543020, MONDO:0030947, OMIM 619173.

Allele frequency attached by ClinVar (database versions not stated): gnomAD exomes below 0.00001; TOPMed 0.00001; ExAC 0.00002.
gnomAD v4.1: 2 of 1,613,948 alleles (0.00012%); highest among the groups gnomAD compares: Non-Finnish European, 0.00017%; no homozygotes.

Submissions (2):

Labcorp Genetics (formerly Invitae), Labcorp
Classification: Uncertain significance. Last evaluated: 2024-03-04. Review status: criteria provided, single submitter. Criteria: Invitae Variant Classification Sherloc (09022015). Collection method: clinical testing. Allele origin: germline.
Comment: This sequence change replaces glutamine, which is neutral and polar, with arginine, which is basic and polar, at codon 226 of the CLCN6 protein (p.Gln226Arg). This variant is present in population databases (rs770682558, gnomAD 0.002%). This variant has not been reported in the literature in individuals affected with CLCN6-related conditions. ClinVar contains an entry for this variant (Variation ID: 2440136). An algorithm developed to predict the effect of missense changes on protein structure and function (PolyPhen-2) suggests that this variant is likely to be tolerated. In summary, the available evidence is currently insufficient to determine the role of this variant in disease. Therefore, it has been classified as a Variant of Uncertain Significance.

Revvity Omics, Revvity
Classification: Uncertain significance for Neuronal ceroid lipofuscinosis 15. Last evaluated: 2021-10-19. Review status: criteria provided, single submitter. Criteria: ACMG Guidelines, 2015. Collection method: clinical testing. Allele origin: germline.

NM_001286.5(CLCN6):c.677A>G (p.Gln226Arg)

Gene: CLCN6 (Cl-/H+ antiporter 6; plus strand). Cytogenetic location: 1p36.22.
Variant type: single nucleotide variant.
Coding change: c.677A>G on transcript NM_001286.5 (MANE Select); coding-DNA position 677, A replaced by G.
Protein change: p.Gln226Arg; replaces glutamine 226 with arginine.
Molecular consequence: missense variant. On other transcripts: non-coding transcript variant (1).
Genome position (GRCh38, 1-based): chr1:11,826,184, A>G. VCF-style: chr1-11826184-A-G. GRCh37 (hg19) VCF-style: chr1-11886241-A-G.
Other names: c.611A>G, p.Gln204Arg (NM_001256959.2); short protein forms Q204R, Q226R.
Identifiers: ClinVar variation 2440136 (VCV002440136.6), dbSNP rs770682558, ClinGen allele CA596189.
Genomic context (GRCh38, chr1:11,826,184, plus strand): 5'-CTCTTTAGTGGCTCTCTTTTCTCTTGCTTTAGTTTCAGAGCATCTCCTTACGGAAGATCC[A>G]GTTTAACTTCCCCTATTTCCGAAGCGACAGGTATGGAAAGGTTAGAAATTGGTTTCTTTT-3'
Protein context (NP_001277.2, residues 216-236): QFQSISLRKI[Gln226Arg]FNFPYFRSDR